The following is an entry in ClinVar:

NM_024675.4(PALB2):c.2119C>T (p.Pro707Ser)

Gene: PALB2 (partner and localizer of BRCA2; minus strand). Cytogenetic location: 16p12.2.
Variant type: single nucleotide variant.
Coding change: c.2119C>T on transcript NM_024675.4 (MANE Select); coding-DNA position 2119, C replaced by T.
Protein change: p.Pro707Ser; replaces proline 707 with serine.
Molecular consequence: missense variant.
Genome position (GRCh38, 1-based): chr16:23,630,035, G>A on the plus strand (C>T on the coding strand, the complement: PALB2 is on the minus strand). VCF-style: chr16-23630035-G-A. GRCh37 (hg19) VCF-style: chr16-23641356-G-A.
Other names: short protein forms P707S.
Identifiers: ClinVar variation 1466297 (VCV001466297.14), dbSNP rs2142380644, ClinGen allele CA395125760.
Genomic context (GRCh38, chr16:23,630,035, plus strand): 5'-CAGGTGAACACATGTCTGTGGTAGGCCTGTCATTATCATCAGGCGCAACCGTATTTAAAG[G>A]AGTATAAAGTAATATGGATGAAGAAAGGCCCGTCTTTGTATGCTGGCTTTGCGAGTTTGG-3'
Protein context (NP_078951.2, residues 697-717): GLSSSILLYT[Pro707Ser]LNTVAPDDND

ClinVar aggregate classification (germline): Uncertain significance. Review status: criteria provided, multiple submitters, no conflicts (2 of 4 stars). 3 submissions from 3 submitters: Uncertain significance (3). Last evaluated 2025-08-20.

Conditions:
Hereditary cancer-predisposing syndrome. Also called: Tumor predisposition; Hereditary Cancer Syndrome; Hereditary neoplastic syndrome; Neoplastic Syndromes, Hereditary. Identifiers: Orphanet 140162, MedGen C0027672, MeSH D009386, MONDO:0015356.
Familial cancer of breast. Also called: hereditary breast carcinoma; BREAST CANCER, FAMILIAL; Hereditary breast cancer. Identifiers: Orphanet 227535, MedGen C0346153, MONDO:0016419, OMIM 114480. Disease mechanism: loss of function.

Allele frequency attached by ClinVar (database versions not stated): gnomAD exomes below 0.00001.
gnomAD v4.1: 1 of 1,614,162 alleles (0.000062%); highest among the groups gnomAD compares: Middle Eastern, 0.016%; no homozygotes.

Submissions (3):

Ambry Genetics
Classification: Uncertain significance for Hereditary cancer-predisposing syndrome. Last evaluated: 2025-08-20. Review status: criteria provided, single submitter. Criteria: Ambry Variant Classification Scheme 2023. Collection method: clinical testing. Allele origin: germline.
Comment: The p.P707S variant (also known as c.2119C>T), located in coding exon 5 of the PALB2 gene, results from a C to T substitution at nucleotide position 2119. The proline at codon 707 is replaced by serine, an amino acid with similar properties. This amino acid position is highly conserved in available vertebrate species. In addition, the in silico prediction for this alteration is inconclusive. Since supporting evidence is limited at this time, the clinical significance of this alteration remains unclear.

Labcorp Genetics (formerly Invitae), Labcorp
Classification: Uncertain significance for Familial cancer of breast. Last evaluated: 2025-08-04. Review status: criteria provided, single submitter. Criteria: Invitae Variant Classification Sherloc (09022015). Collection method: clinical testing. Allele origin: germline.
Comment: This sequence change replaces proline, which is neutral and non-polar, with serine, which is neutral and polar, at codon 707 of the PALB2 protein (p.Pro707Ser). This variant is not present in population databases (gnomAD no frequency). This variant has not been reported in the literature in individuals affected with PALB2-related conditions. ClinVar contains an entry for this variant (Variation ID: 1466297). Invitae Evidence Modeling of protein sequence and biophysical properties (such as structural, functional, and spatial information, amino acid conservation, physicochemical variation, residue mobility, and thermodynamic stability) has been performed for this missense variant. However, the output from this modeling did not meet the statistical confidence thresholds required to predict the impact of this variant on PALB2 protein function. In summary, the available evidence is currently insufficient to determine the role of this variant in disease. Therefore, it has been classified as a Variant of Uncertain Significance.

Color Diagnostics, LLC DBA Color Health
Classification: Uncertain significance for Hereditary cancer-predisposing syndrome. Last evaluated: 2023-08-28. Review status: criteria provided, single submitter. Criteria: ACMG Guidelines, 2015. Collection method: clinical testing. Allele origin: germline.
Comment: This missense variant replaces proline with serine at codon 707 of the PALB2 protein. Computational prediction suggests that this variant may not impact protein structure and function (internally defined REVEL score threshold <= 0.5, PMID: 27666373). To our knowledge, functional studies have not been reported for this variant. This variant has not been reported in individuals affected with PALB2-related disorders in the literature. This variant has not been identified in the general population by the Genome Aggregation Database (gnomAD). The available evidence is insufficient to determine the role of this variant in disease conclusively. Therefore, this variant is classified as a Variant of Uncertain Significance.